The following is an entry in ClinVar:

ClinVar aggregate classification (germline): Likely benign (1 of 4 stars; one submission).

Submission:

CeGaT Center for Human Genetics Tuebingen
Classification: Likely benign. Last evaluated: 2022-07-01. Review status: criteria provided, single submitter. Criteria: CeGaT Center For Human Genetics Tuebingen Variant Classification Criteria Version 2. Collection method: clinical testing. Allele origin: germline. Affected: yes. Observed: 1 variant allele.
Comment: GPR101: PM2:Supporting, BP4, BP7

NM_054021.2(GPR101):c.1329C>T (p.Phe443=)

Gene: GPR101 (G protein-coupled receptor 101; minus strand). Cytogenetic location: Xq26.3.
Variant type: single nucleotide variant.
Coding change: c.1329C>T on transcript NM_054021.2 (MANE Select); coding-DNA position 1329, C replaced by T.
Protein change: p.Phe443=; no amino-acid change (phenylalanine 443 retained).
Molecular consequence: synonymous variant.
Genome position (GRCh38, 1-based): chrX:137,030,346, G>A on the plus strand (C>T on the coding strand, the complement: GPR101 is on the minus strand). VCF-style: chrX-137030346-G-A. GRCh37 (hg19) VCF-style: chrX-136112505-G-A.
Identifiers: ClinVar variation 2661525 (VCV002661525.24), dbSNP rs2520418471, ClinGen allele CA518856252.
Genomic context (GRCh38, chrX:137,030,346, plus strand): 5'-CTTCTTAATGGTCTTGTGCATGTAGCCATAGACATAGGGGTGGATGCAGCACTGCAGGAA[G>A]AAAAGCCAGATGATTATGGTGATCACCCACTGGGGTACCTGGGTTTCGACATCCACCCAC-3'
Protein context (NP_473362.1, residues 433-453): QWVITIIIWL[Phe443=]FLQCCIHPYV